The following is an entry in ClinVar:

ClinVar aggregate classification (germline): Uncertain significance (1 of 4 stars; one submission).

Allele frequency attached by ClinVar (database versions not stated): gnomAD 0.00001; gnomAD exomes 0.00001; TOPMed 0.00001.
gnomAD v4.1: 4 of 1,612,980 alleles (0.00025%); highest among the groups gnomAD compares: Admixed American, 0.0017%; no homozygotes.

Submission:

Labcorp Genetics (formerly Invitae), Labcorp
Classification: Uncertain significance. Last evaluated: 2022-06-23. Review status: criteria provided, single submitter. Criteria: Invitae Variant Classification Sherloc (09022015). Collection method: clinical testing. Allele origin: germline.
Comment: This sequence change replaces isoleucine, which is neutral and non-polar, with threonine, which is neutral and polar, at codon 318 of the BCAT2 protein (p.Ile318Thr). This variant is not present in population databases (gnomAD no frequency). This variant has not been reported in the literature in individuals affected with BCAT2-related conditions. Algorithms developed to predict the effect of missense changes on protein structure and function are either unavailable or do not agree on the potential impact of this missense change (SIFT: "Deleterious"; PolyPhen-2: "Possibly Damaging"; Align-GVGD: "Class C0"). In summary, the available evidence is currently insufficient to determine the role of this variant in disease. Therefore, it has been classified as a Variant of Uncertain Significance.

NM_001190.4(BCAT2):c.953T>C (p.Ile318Thr)

Gene: BCAT2 (branched chain amino acid transaminase 2; minus strand). Cytogenetic location: 19q13.33.
Variant type: single nucleotide variant.
Coding change: c.953T>C on transcript NM_001190.4 (MANE Select); coding-DNA position 953, T replaced by C.
Protein change: p.Ile318Thr; replaces isoleucine 318 with threonine.
Molecular consequence: missense variant.
Genome position (GRCh38, 1-based): chr19:48,796,690, A>G on the plus strand (T>C on the coding strand, the complement: BCAT2 is on the minus strand). VCF-style: chr19-48796690-A-G. GRCh37 (hg19) VCF-style: chr19-49299947-A-G.
Other names: c.677T>C, p.Ile226Thr (NM_001164773.2); c.833T>C, p.Ile278Thr (NM_001284325.2); short protein forms I226T, I318T, I278T.
Identifiers: ClinVar variation 1985651 (VCV001985651.1), dbSNP rs1020482522, ClinGen allele CA309407209.